The following is an entry in ClinVar:

NM_002609.4(PDGFRB):c.85A>T (p.Ile29Phe)

Gene: PDGFRB (platelet derived growth factor receptor beta; minus strand). Cytogenetic location: 5q32.
Variant type: single nucleotide variant.
Coding change: c.85A>T on transcript NM_002609.4 (MANE Select); coding-DNA position 85, A replaced by T.
Protein change: p.Ile29Phe; replaces isoleucine 29 with phenylalanine.
Molecular consequence: missense variant. On other transcripts: 5 prime UTR variant (2).
Genome position (GRCh38, 1-based): chr5:150,135,834, T>A on the plus strand (A>T on the coding strand, the complement: PDGFRB is on the minus strand). VCF-style: chr5-150135834-T-A. GRCh37 (hg19) VCF-style: chr5-149515397-T-A.
Other names: c.-108A>T (NM_001355016.2); c.-433A>T (NM_001355017.2); short protein forms I29F.
Identifiers: ClinVar variation 258780 (VCV000258780.21), dbSNP rs17110944, ClinGen allele CA3508416.

ClinVar aggregate classification (germline): Benign. Review status: criteria provided, multiple submitters, no conflicts (2 of 4 stars). 8 submissions from 7 submitters: Benign (5). 3 of the submissions do not count toward it. Last evaluated 2026-02-01.

Conditions:
PDGFRB-related disorder. Also called: PDGFRB-related condition.
Myofibromatosis, infantile, 1. Also called: Myofibromatosis, juvenile. Identifiers: Orphanet 2591, MedGen C4551572, MONDO:0009227, OMIM 228550.
Acroosteolysis-keloid-like lesions-premature aging syndrome. Also called: Progeroid syndrome, Penttinen type; Premature aging syndrome, Penttinen type; Prematurely aged appearance, delayed bone maturation, acro-osteolysis, and brachydactyly. Identifiers: Orphanet 363665, MedGen C1866182, MONDO:0011150, OMIM 601812.
Skeletal overgrowth-craniofacial dysmorphism-hyperelastic skin-white matter lesions syndrome. Also called: SKELETAL OVERGROWTH WITH FACIAL DYSMORPHISM, HYPERELASTIC SKIN, WHITE MATTER LESIONS, AND NEUROLOGIC DETERIORATION; Kosaki overgrowth syndrome. Identifiers: Orphanet 477831, MedGen C4225270, MONDO:0014704, OMIM 616592.
Infantile myofibromatosis (IMF). Also called: Congenital generalized fibromatosis. Identifiers: Orphanet 2591, MedGen C0432284, MONDO:0016824.
Basal ganglia calcification, idiopathic, 4 (PFBC4). Also called: Familial Idiopathic Basal Ganglia Calcification 4; PRIMARY FAMILIAL BRAIN CALCIFICATION 4, AUTOSOMAL DOMINANT. Identifiers: Orphanet 1980, MedGen C3554321, MONDO:0014004, OMIM 615007.
Myeloproliferative disorder, chronic, with eosinophilia. Also called: Malignant eosinophil proliferation; EOSINOPHILS, MALIGNANT PROLIFERATION OF. Identifiers: MedGen C1851585, MONDO:0007546, OMIM 131440, HP:0006782.

Allele frequency attached by ClinVar (database versions not stated): ESP Exome Variant Server 0.07227; 1000 Genomes Project 30x 0.10181; ExAC 0.03874; gnomAD exomes 0.01189 and 0.03805; gnomAD 0.06902 and 0.07088; 1000 Genomes Project 0.09804; TOPMed 0.07704.
gnomAD v4.1: 27,637 of 1,547,842 alleles (1.8%); highest among the groups gnomAD compares: African/African-American, 21%; 2,111 homozygotes.

Submissions 1 to 27 of 47:

Labcorp Genetics (formerly Invitae), Labcorp
Classification: Benign for Basal ganglia calcification, idiopathic, 4; Skeletal overgrowth-craniofacial dysmorphism-hyperelastic skin-white matter lesions syndrome; Infantile myofibromatosis; Acroosteolysis-keloid-like lesions-premature aging syndrome. Last evaluated: 2026-02-01. Review status: criteria provided, single submitter. Criteria: Invitae Variant Classification Sherloc (09022015). Collection method: clinical testing. Allele origin: germline.

KCCC/NGS Laboratory, Kuwait Cancer Control Center
Classification: Benign for Myofibromatosis, infantile, 1. Last evaluated: 2025-02-01. Review status: criteria provided, single submitter. Criteria: ACMG Guidelines, 2015. Collection method: clinical testing. Allele origin: germline. Affected: no.

KCCC/NGS Laboratory, Kuwait Cancer Control Center
Classification: Benign for Myeloproliferative disorder, chronic, with eosinophilia. Last evaluated: 2023-07-07. Review status: criteria provided, single submitter. Criteria: ACMG Guidelines, 2015. Collection method: clinical testing. Allele origin: germline. Affected: yes.

Mayo Clinic Laboratories, Mayo Clinic
Classification: Benign. Last evaluated: 2022-03-23. Review status: criteria provided, single submitter. Criteria: ACMG Guidelines, 2015. Collection method: clinical testing. Allele origin: germline. Observed: 16 variant alleles.

GeneDx
Classification: Benign. Last evaluated: 2019-03-20. Review status: criteria provided, single submitter. Criteria: GeneDx Variant Classification Process June 2021. Collection method: clinical testing. Allele origin: germline. Affected: yes.

PreventionGenetics, part of Exact Sciences
Classification: Benign for PDGFRB-related condition. Last evaluated: 2022-06-08. Review status: no assertion criteria provided. Collection method: clinical testing. Allele origin: germline. Not counted in ClinVar's aggregate classification.
Comment: This variant is classified as benign based on ACMG/AMP sequence variant interpretation guidelines (Richards et al. 2015 PMID: 25741868, with internal and published modifications).

Dr. Peter K. Rogan Lab, Western University
No classification provided (evidence only). Condition: Lung cancer. Review status: no classification provided. Collection method: in vitro. Allele origin: not applicable. Functional consequence: retained intron. Not counted in ClinVar's aggregate classification.

Dr. Peter K. Rogan Lab, Western University
No classification provided (evidence only). Condition: Lung cancer. Review status: no classification provided. Collection method: in vitro. Allele origin: not applicable. Functional consequence: retained intron. Not counted in ClinVar's aggregate classification.

Dr. Peter K. Rogan Lab, Western University
No classification provided (evidence only). Condition: Lung cancer. Review status: no classification provided. Collection method: in vitro. Allele origin: not applicable. Functional consequence: retained intron. Not counted in ClinVar's aggregate classification.

Dr. Peter K. Rogan Lab, Western University
No classification provided (evidence only). Condition: Lung cancer. Review status: no classification provided. Collection method: in vitro. Allele origin: not applicable. Functional consequence: retained intron. Not counted in ClinVar's aggregate classification.

Dr. Peter K. Rogan Lab, Western University
No classification provided (evidence only). Condition: Lung cancer. Review status: no classification provided. Collection method: in vitro. Allele origin: not applicable. Functional consequence: retained intron. Not counted in ClinVar's aggregate classification.

Dr. Peter K. Rogan Lab, Western University
No classification provided (evidence only). Condition: Lung cancer. Review status: no classification provided. Collection method: in vitro. Allele origin: not applicable. Functional consequence: retained intron. Not counted in ClinVar's aggregate classification.

Dr. Peter K. Rogan Lab, Western University
No classification provided (evidence only). Condition: Lung cancer. Review status: no classification provided. Collection method: in vitro. Allele origin: not applicable. Functional consequence: retained intron. Not counted in ClinVar's aggregate classification.

Dr. Peter K. Rogan Lab, Western University
No classification provided (evidence only). Condition: Lung cancer. Review status: no classification provided. Collection method: in vitro. Allele origin: not applicable. Functional consequence: retained intron. Not counted in ClinVar's aggregate classification.

Dr. Peter K. Rogan Lab, Western University
No classification provided (evidence only). Condition: Lung cancer. Review status: no classification provided. Collection method: in vitro. Allele origin: not applicable. Functional consequence: retained intron. Not counted in ClinVar's aggregate classification.

Dr. Peter K. Rogan Lab, Western University
No classification provided (evidence only). Condition: Acute myeloid leukemia. Review status: no classification provided. Collection method: in vitro. Allele origin: not applicable. Functional consequence: retained intron. Not counted in ClinVar's aggregate classification.

Dr. Peter K. Rogan Lab, Western University
No classification provided (evidence only). Condition: Acute myeloid leukemia. Review status: no classification provided. Collection method: in vitro. Allele origin: not applicable. Functional consequence: retained intron. Not counted in ClinVar's aggregate classification.

Dr. Peter K. Rogan Lab, Western University
No classification provided (evidence only). Condition: Acute myeloid leukemia. Review status: no classification provided. Collection method: in vitro. Allele origin: not applicable. Functional consequence: retained intron. Not counted in ClinVar's aggregate classification.

Dr. Peter K. Rogan Lab, Western University
No classification provided (evidence only). Condition: Colon adenocarcinoma. Review status: no classification provided. Collection method: in vitro. Allele origin: not applicable. Functional consequence: retained intron. Not counted in ClinVar's aggregate classification.

Dr. Peter K. Rogan Lab, Western University
No classification provided (evidence only). Condition: Colon adenocarcinoma. Review status: no classification provided. Collection method: in vitro. Allele origin: not applicable. Functional consequence: retained intron. Not counted in ClinVar's aggregate classification.

Dr. Peter K. Rogan Lab, Western University
No classification provided (evidence only). Condition: Colon adenocarcinoma. Review status: no classification provided. Collection method: in vitro. Allele origin: not applicable. Functional consequence: retained intron. Not counted in ClinVar's aggregate classification.

Dr. Peter K. Rogan Lab, Western University
No classification provided (evidence only). Condition: Colon adenocarcinoma. Review status: no classification provided. Collection method: in vitro. Allele origin: not applicable. Functional consequence: retained intron. Not counted in ClinVar's aggregate classification.

Dr. Peter K. Rogan Lab, Western University
No classification provided (evidence only). Condition: Colon adenocarcinoma. Review status: no classification provided. Collection method: in vitro. Allele origin: not applicable. Functional consequence: retained intron. Not counted in ClinVar's aggregate classification.

Dr. Peter K. Rogan Lab, Western University
No classification provided (evidence only). Condition: Thyroid cancer, nonmedullary, 1. Review status: no classification provided. Collection method: in vitro. Allele origin: not applicable. Functional consequence: retained intron. Not counted in ClinVar's aggregate classification.

Dr. Peter K. Rogan Lab, Western University
No classification provided (evidence only). Condition: Thyroid cancer, nonmedullary, 1. Review status: no classification provided. Collection method: in vitro. Allele origin: not applicable. Functional consequence: retained intron. Not counted in ClinVar's aggregate classification.

Dr. Peter K. Rogan Lab, Western University
No classification provided (evidence only). Condition: Sarcoma. Review status: no classification provided. Collection method: in vitro. Allele origin: not applicable. Functional consequence: retained intron. Not counted in ClinVar's aggregate classification.

Dr. Peter K. Rogan Lab, Western University
No classification provided (evidence only). Condition: Sarcoma. Review status: no classification provided. Collection method: in vitro. Allele origin: not applicable. Functional consequence: retained intron. Not counted in ClinVar's aggregate classification.